The following is an entry in ClinVar:

NM_022167.4(XYLT2):c.1980del (p.Asn661fs)

Gene: XYLT2 (xylosyltransferase 2; plus strand). Cytogenetic location: 17q21.33.
Variant type: Deletion.
Coding change: c.1980del on transcript NM_022167.4 (MANE Select); coding-DNA position 1980, one base deleted (G; older notation c.1980delG).
Protein change: p.Asn661fs; shifts the reading frame from asparagine 661.
Molecular consequence: frameshift variant.
Genome position (GRCh38, 1-based): chr17:50,358,245, G deleted; the last of 2 consecutive G bases (chr17:50,358,244-50,358,245); deleting either gives the same sequence. VCF-style (leftmost placement, unchanged base first): chr17-50358243-CG-C. GRCh37 (hg19) VCF-style: chr17-48435604-CG-C.
Other names: short protein forms N661fs.
Identifiers: ClinVar variation 2776265 (VCV002776265.3), dbSNP rs1912636978, ClinGen allele CA984468571.

ClinVar aggregate classification (germline): Pathogenic (1 of 4 stars; one submission).

Submission:

Labcorp Genetics (formerly Invitae), Labcorp
Classification: Pathogenic. Last evaluated: 2022-12-07. Review status: criteria provided, single submitter. Criteria: Invitae Variant Classification Sherloc (09022015). Collection method: clinical testing. Allele origin: germline.
Comment: This sequence change creates a premature translational stop signal (p.Asn661Thrfs*45) in the XYLT2 gene. It is expected to result in an absent or disrupted protein product. Loss-of-function variants in XYLT2 are known to be pathogenic (PMID: 26027496, 26987875). This variant is not present in population databases (gnomAD no frequency). This variant has not been reported in the literature in individuals affected with XYLT2-related conditions. For these reasons, this variant has been classified as Pathogenic.

Literature cited by the submitters: PubMed 26027496; PubMed 26987875.